The following is an entry in ClinVar:

ClinVar aggregate classification (germline): Benign (1 of 4 stars; one submission).

Conditions:
Sessile serrated polyposis cancer syndrome (SSPCS). Identifiers: Orphanet 157798, MedGen C4310714, MONDO:0014919, OMIM 617108.

Submission:

Myriad Genetics, Inc.
Classification: Benign for Sessile serrated polyposis cancer syndrome. Last evaluated: 2026-07-01. Review status: criteria provided, single submitter. Criteria: Myriad Autosomal Dominant, Autosomal Recessive and X-Linked Classification Criteria (2023). Collection method: clinical testing. Allele origin: unknown.
Comment: This variant is considered benign. This variant is a silent/synonymous amino acid change and it is not expected to impact splicing.

NM_017763.6(RNF43):c.1053C>T (p.Tyr351=)

Gene: RNF43 (ring finger protein 43; minus strand). Cytogenetic location: 17q22.
Variant type: single nucleotide variant.
Coding change: c.1053C>T on transcript NM_017763.6 (MANE Select); coding-DNA position 1053, C replaced by T.
Protein change: p.Tyr351=; no amino-acid change (tyrosine 351 retained).
Molecular consequence: synonymous variant.
Genome position (GRCh38, 1-based): chr17:58,358,723, G>A on the plus strand (C>T on the coding strand, the complement: RNF43 is on the minus strand). VCF-style: chr17-58358723-G-A. GRCh37 (hg19) VCF-style: chr17-56436084-G-A.
Other names: c.1053C>T, p.Tyr351= (NM_001305544.3, NM_001438820.1, NM_001438821.1 and 1 more transcripts); c.672C>T, p.Tyr224= (NM_001305545.2, NM_001437987.1).
Identifiers: ClinVar variation 5042389 (VCV005042389.1).
Genomic context (GRCh38, chr17:58,358,723, plus strand): 5'-TCGTGGGGGCCGAGCCACTGCACTCCGGGAAGGGCCCAACAGGTAGGCAGCAGGGAGGTG[G>A]TAGTGGGCATGGCCGGGATGCTGGCGAATGAGGTGGAGTCTTCGACCTGGTTCTTGGTAA-3'
Protein context (NP_060233.3, residues 341-361): LIRQHPGHAH[Tyr351=]HLPAAYLLGP